The following is an entry in ClinVar:

NM_001318734.2(KLC2):c.329G>A (p.Arg110His)

Genes: KLC2 (kinesin light chain 2; plus strand), KLC2-AS1 (KLC2 antisense RNA 1; minus strand). Cytogenetic location: 11q13.2.
Variant type: single nucleotide variant.
Coding change: c.329G>A on transcript NM_001318734.2 (MANE Select); coding-DNA position 329, G replaced by A.
Protein change: p.Arg110His; replaces arginine 110 with histidine.
Molecular consequence: missense variant. On other transcripts: non-coding transcript variant (1), intron variant (1).
Genome position (GRCh38, 1-based): chr11:66,261,842, G>A. VCF-style: chr11-66261842-G-A. GRCh37 (hg19) VCF-style: chr11-66029313-G-A.
Other names: c.329G>A (NM_001134775.1); c.329G>A, p.Arg110His (NM_001134775.2, NM_001134776.2, NM_022822.3); c.229-281G>A (NM_001134774.2); short protein forms R110H.
Identifiers: ClinVar variation 3623590 (VCV003623590.3).

ClinVar aggregate classification (germline): Uncertain significance. Review status: criteria provided, multiple submitters, no conflicts (2 of 4 stars). 2 submissions from 2 submitters: Uncertain significance (2). Last evaluated 2025-08-20.

Submissions (2):

Ambry Genetics
Classification: Uncertain significance. Last evaluated: 2025-08-20. Review status: criteria provided, single submitter. Criteria: Ambry Variant Classification Scheme 2023. Collection method: clinical testing. Allele origin: germline.

Labcorp Genetics (formerly Invitae), Labcorp
Classification: Uncertain significance. Last evaluated: 2024-10-01. Review status: criteria provided, single submitter. Criteria: Invitae Variant Classification Sherloc (09022015). Collection method: clinical testing. Allele origin: germline.
Comment: This sequence change replaces arginine, which is basic and polar, with histidine, which is basic and polar, at codon 110 of the KLC2 protein (p.Arg110His). The frequency data for this variant in the population databases is considered unreliable, as metrics indicate poor data quality at this position in the gnomAD database. This variant has not been reported in the literature in individuals affected with KLC2-related conditions. An algorithm developed to predict the effect of missense changes on protein structure and function (PolyPhen-2) suggests that this variant is likely to be disruptive. In summary, the available evidence is currently insufficient to determine the role of this variant in disease. Therefore, it has been classified as a Variant of Uncertain Significance.